The following is an entry in ClinVar:

ClinVar aggregate classification (germline): Likely benign (1 of 4 stars; one submission).

Submission:

CeGaT Center for Human Genetics Tuebingen
Classification: Likely benign. Last evaluated: 2026-07-01. Review status: criteria provided, single submitter. Criteria: CeGaT Center For Human Genetics Tuebingen Variant Classification Criteria Version 2. Collection method: clinical testing. Allele origin: germline. Affected: yes. Observed: 1 variant allele.
Comment: RP1L1: PM2:Supporting, BP4, BP7

NM_178857.6(RP1L1):c.5604G>A (p.Gln1868=)

Gene: RP1L1 (RP1 like 1). Cytogenetic location: 8p23.1.
Variant type: single nucleotide variant.
Coding change: c.5604G>A on transcript NM_178857.6 (MANE Select); coding-DNA position 5604, G replaced by A.
Protein change: p.Gln1868=; no amino-acid change (glutamine 1868 retained).
Molecular consequence: synonymous variant.
Genome position (GRCh38, 1-based): chr8:10,608,494, C>T on the plus strand (G>A on the coding strand, the complement: RP1L1 is on the minus strand). VCF-style: chr8-10608494-C-T. GRCh37 (hg19) VCF-style: chr8-10466004-C-T.
Identifiers: ClinVar variation 5039089 (VCV005039089.1).